The following is an entry in ClinVar:

NM_025137.4(SPG11):c.359T>C (p.Leu120Ser)

Gene: SPG11 (SPG11 vesicle trafficking associated, spatacsin; minus strand). Cytogenetic location: 15q21.1.
Variant type: single nucleotide variant.
Coding change: c.359T>C on transcript NM_025137.4 (MANE Select); coding-DNA position 359, T replaced by C.
Protein change: p.Leu120Ser; replaces leucine 120 with serine.
Molecular consequence: missense variant.
Genome position (GRCh38, 1-based): chr15:44,660,515, A>G on the plus strand (T>C on the coding strand, the complement: SPG11 is on the minus strand). VCF-style: chr15-44660515-A-G. GRCh37 (hg19) VCF-style: chr15-44952713-A-G.
Other names: c.359T>C, p.Leu120Ser (NM_001160227.2, NM_001411132.1); short protein forms L120S.
Identifiers: ClinVar variation 1733057 (VCV001733057.20), dbSNP rs764858234, ClinGen allele CA392238248.
Genomic context (GRCh38, chr15:44,660,515, plus strand): 5'-TTTTGCAATGCCTCCCTACTACAGCTATACAAAATGGTTGCATCACATCTTCCATCTTTC[A>G]AATTAAATTCATAGATAAGCAGTTCATAATTTTCACCAAGAGCGAGCAGTTTGGGCTTTT-3'
Protein context (NP_079413.3, residues 110-130): NYELLIYEFN[Leu120Ser]KDGRCDATIL

ClinVar aggregate classification (germline): Uncertain significance. Review status: criteria provided, multiple submitters, no conflicts (2 of 4 stars). 2 submissions from 2 submitters: Uncertain significance (2). Last evaluated 2024-06-01.

Conditions:
Inborn genetic diseases. Identifiers: MedGen C0950123, MeSH D030342.

gnomAD v4.1: 12 of 1,614,182 alleles (0.00074%); highest among the groups gnomAD compares: Non-Finnish European, 0.001%; no homozygotes.

Submissions (2):

CeGaT Center for Human Genetics Tuebingen
Classification: Uncertain significance. Last evaluated: 2024-06-01. Review status: criteria provided, single submitter. Criteria: CeGaT Center For Human Genetics Tuebingen Variant Classification Criteria Version 2. Collection method: clinical testing. Allele origin: germline. Affected: yes. Observed: 1 variant allele.
Comment: SPG11: PM2, BP4

Ambry Genetics
Classification: Uncertain significance for Inborn genetic diseases. Last evaluated: 2022-10-06. Review status: criteria provided, single submitter. Criteria: Ambry Variant Classification Scheme 2023. Collection method: clinical testing. Allele origin: germline.
Comment: The p.L120S variant (also known as c.359T>C), located in coding exon 2 of the SPG11 gene, results from a T to C substitution at nucleotide position 359. The leucine at codon 120 is replaced by serine, an amino acid with dissimilar properties. This amino acid position is well conserved in available vertebrate species. In addition, the in silico prediction for this alteration is inconclusive. Since supporting evidence is limited at this time, the clinical significance of this alteration remains unclear.